The following is an entry in ClinVar:

NM_000393.5(COL5A2):c.1159-7C>A

Gene: COL5A2 (collagen type V alpha 2 chain; minus strand). Cytogenetic location: 2q32.2.
Variant type: single nucleotide variant.
Coding change: c.1159-7C>A on transcript NM_000393.5 (MANE Select); 7 bases into the intron before coding-DNA position 1159, C replaced by A.
Molecular consequence: intron variant.
Genome position (GRCh38, 1-based): chr2:189,068,891, G>T on the plus strand (C>A on the coding strand, the complement: COL5A2 is on the minus strand). VCF-style: chr2-189068891-G-T. GRCh37 (hg19) VCF-style: chr2-189933617-G-T.
Other names: p.?.
Identifiers: ClinVar variation 699400 (VCV000699400.13), dbSNP rs377321742, ClinGen allele CA2022790.

ClinVar aggregate classification (germline): Likely benign. Review status: criteria provided, multiple submitters, no conflicts (2 of 4 stars). 4 submissions from 4 submitters: Likely benign (4). Last evaluated 2025-12-10.

Conditions:
Ehlers-Danlos syndrome, classic type, 1 (EDSCL1). Also called: EDS I; EHLERS-DANLOS SYNDROME, GRAVIS TYPE; EHLERS-DANLOS SYNDROME, SEVERE CLASSIC TYPE; Ehlers-Danlos Syndrome, Classic Type, COL5A1-Related; Ehlers-Danlos syndrome, type 1. Identifiers: MedGen C0268335, MONDO:0019567, OMIM 130000.

Allele frequency attached by ClinVar (database versions not stated): gnomAD exomes 0.00002 and 0.00004; gnomAD 0.00003; TOPMed 0.00002; ExAC 0.00003; ESP Exome Variant Server 0.00015.
gnomAD v4.1: 62 of 1,573,664 alleles (0.0039%); highest among the groups gnomAD compares: Non-Finnish European, 0.0053%; no homozygotes.

Submissions (4):

Labcorp Genetics (formerly Invitae), Labcorp
Classification: Likely benign for Ehlers-Danlos syndrome, classic type, 1. Last evaluated: 2025-12-10. Review status: criteria provided, single submitter. Criteria: Invitae Variant Classification Sherloc (09022015). Collection method: clinical testing. Allele origin: germline.

Mayo Clinic Laboratories, Mayo Clinic
Classification: Likely benign. Last evaluated: 2025-11-20. Review status: criteria provided, single submitter. Criteria: ACMG Guidelines, 2015. Collection method: clinical testing. Allele origin: germline. Observed: 1 variant allele.
Comment: BP4, BP7

Women's Health and Genetics/Laboratory Corporation of America, LabCorp
Classification: Likely benign. Last evaluated: 2025-05-02. Review status: criteria provided, single submitter. Criteria: LabCorp Variant Classification Summary - May 2015. Collection method: clinical testing. Allele origin: germline.

GeneDx
Classification: Likely benign. Last evaluated: 2019-04-18. Review status: criteria provided, single submitter. Criteria: GeneDx Variant Classification Process June 2021. Collection method: clinical testing. Allele origin: germline. Affected: yes.